The following is an entry in ClinVar:

ClinVar aggregate classification (germline): Uncertain significance. Review status: criteria provided, multiple submitters, no conflicts (2 of 4 stars). 3 submissions from 3 submitters: Uncertain significance (3). Last evaluated 2025-10-25.

Conditions:
Hereditary spastic paraplegia 11. Also called: Spastic paraplegia, mental retardation and thin corpus callosum; SPASTIC PARAPLEGIA, AUTOSOMAL RECESSIVE, COMPLICATED, WITH THIN CORPUS CALLOSUM; SPASTIC PARAPLEGIA, AUTOSOMAL RECESSIVE, WITH MENTAL IMPAIRMENT AND THIN CORPUS CALLOSUM; Nakamura Osame syndrome; Autosomal recessive hereditary spastic paraplegia, mental impairment, and thin corpus callosum; Spastic Paraplegia 11. Identifiers: Orphanet 2822, MedGen C1858479, MONDO:0011445, OMIM 604360.
Amyotrophic lateral sclerosis type 5 (ALS5). Also called: AMYOTROPHIC LATERAL SCLEROSIS 5, JUVENILE. Identifiers: Orphanet 300605, MedGen C1865864, MONDO:0011196, OMIM 602099.
Charcot-Marie-Tooth disease axonal type 2X. Also called: CHARCOT-MARIE-TOOTH DISEASE, AXONAL, AUTOSOMAL RECESSIVE, TYPE 2X; CHARCOT-MARIE-TOOTH NEUROPATHY, TYPE 2X. Identifiers: Orphanet 466775, MedGen C5569024, MONDO:0014726, OMIM 616668.

Allele frequency attached by ClinVar (database versions not stated): TOPMed 0.00001; ExAC 0.00002; gnomAD exomes 0.00002.
gnomAD v4.1: 28 of 1,610,210 alleles (0.0017%); highest among the groups gnomAD compares: Admixed American, 0.0084%; no homozygotes.

Submissions (3):

GeneDx
Classification: Uncertain significance. Last evaluated: 2025-10-25. Review status: criteria provided, single submitter. Criteria: GeneDx Variant Classification Process June 2021. Collection method: clinical testing. Allele origin: germline.
Comment: Not observed at significant frequency in large population cohorts (gnomAD); In silico analysis suggests that this missense variant does not alter protein structure/function; Has not been previously published as pathogenic or benign to our knowledge

Mayo Clinic Laboratories, Mayo Clinic
Classification: Uncertain significance. Last evaluated: 2024-07-03. Review status: criteria provided, single submitter. Criteria: ACMG Guidelines, 2015. Collection method: clinical testing. Allele origin: germline. Observed: 1 variant allele.

Labcorp Genetics (formerly Invitae), Labcorp
Classification: Uncertain significance for Hereditary spastic paraplegia 11. Last evaluated: 2022-07-12. Review status: criteria provided, single submitter. Criteria: Invitae Variant Classification Sherloc (09022015). Collection method: clinical testing. Allele origin: germline.
Comment: This sequence change replaces isoleucine, which is neutral and non-polar, with valine, which is neutral and non-polar, at codon 2246 of the SPG11 protein (p.Ile2246Val). This variant is present in population databases (rs770110397, gnomAD 0.003%). This variant has not been reported in the literature in individuals affected with SPG11-related conditions. ClinVar contains an entry for this variant (Variation ID: 846714). Algorithms developed to predict the effect of missense changes on protein structure and function (SIFT, PolyPhen-2, Align-GVGD) all suggest that this variant is likely to be tolerated. In summary, the available evidence is currently insufficient to determine the role of this variant in disease. Therefore, it has been classified as a Variant of Uncertain Significance.

NM_025137.4(SPG11):c.6736A>G (p.Ile2246Val)

Gene: SPG11 (SPG11 vesicle trafficking associated, spatacsin; minus strand). Cytogenetic location: 15q21.1.
Variant type: single nucleotide variant.
Coding change: c.6736A>G on transcript NM_025137.4 (MANE Select); coding-DNA position 6736, A replaced by G.
Protein change: p.Ile2246Val; replaces isoleucine 2246 with valine.
Molecular consequence: missense variant.
Genome position (GRCh38, 1-based): chr15:44,567,442, T>C on the plus strand (A>G on the coding strand, the complement: SPG11 is on the minus strand). VCF-style: chr15-44567442-T-C. GRCh37 (hg19) VCF-style: chr15-44859640-T-C.
Other names: p.Ile2246Val; c.6397A>G, p.Ile2133Val (NM_001160227.2); short protein forms I2133V, I2246V.
Identifiers: ClinVar variation 846714 (VCV000846714.11), dbSNP rs770110397, ClinGen allele CA7534033.